The following is an entry in ClinVar:

ClinVar aggregate classification (germline): Likely benign. Review status: criteria provided, single submitter (1 of 4 stars). 2 submissions from 2 submitters: Likely benign (1). 1 of the submissions does not count toward it. Last evaluated 2025-12-24.

Conditions:
TRIP11-related disorder. Also called: TRIP11-Related Disorders; TRIP11-related condition.
Achondrogenesis, type IA (ACG1A). Identifiers: Orphanet 932, Orphanet 93299, MedGen C0265273, MONDO:0008701, OMIM 200600.

Allele frequency attached by ClinVar (database versions not stated): gnomAD 0.00003 and 0.00004; gnomAD exomes 0.00003 and 0.00005; ExAC 0.00005; TOPMed 0.00007; ESP Exome Variant Server 0.00008.
gnomAD v4.1: 53 of 1,613,738 alleles (0.0033%); highest among the groups gnomAD compares: Admixed American, 0.02%; no homozygotes.

Submissions (2):

Labcorp Genetics (formerly Invitae), Labcorp
Classification: Likely benign for Achondrogenesis, type IA. Last evaluated: 2025-12-24. Review status: criteria provided, single submitter. Criteria: Invitae Variant Classification Sherloc (09022015). Collection method: clinical testing. Allele origin: germline.

PreventionGenetics, part of Exact Sciences
Classification: Likely benign for TRIP11-related condition. Last evaluated: 2019-11-25. Review status: no assertion criteria provided. Collection method: clinical testing. Allele origin: germline. Not counted in ClinVar's aggregate classification.
Comment: This variant is classified as likely benign based on ACMG/AMP sequence variant interpretation guidelines (Richards et al. 2015 PMID: 25741868, with internal and published modifications).

NM_004239.4(TRIP11):c.5400T>C (p.His1800=)

Gene: TRIP11 (thyroid hormone receptor interactor 11; minus strand). Cytogenetic location: 14q32.12.
Variant type: single nucleotide variant.
Coding change: c.5400T>C on transcript NM_004239.4 (MANE Select); coding-DNA position 5400, T replaced by C.
Protein change: p.His1800=; no amino-acid change (histidine 1800 retained).
Molecular consequence: synonymous variant.
Genome position (GRCh38, 1-based): chr14:91,975,229, A>G on the plus strand (T>C on the coding strand, the complement: TRIP11 is on the minus strand). VCF-style: chr14-91975229-A-G. GRCh37 (hg19) VCF-style: chr14-92441573-A-G.
Other names: c.5397T>C, p.His1799= (NM_001321851.1).
Identifiers: ClinVar variation 1545777 (VCV001545777.10), dbSNP rs371499684, ClinGen allele CA7313170.
Genomic context (GRCh38, chr14:91,975,229, plus strand): 5'-CACCTGCTCCATCTCCTCCCTTCTGACGCCCAGGATGCTCCCCATTAACCGTAACACTTC[A>G]TGACGCTGATTTTTCGGTGTGTGGAAATGACCAATGAAGAGGTTTCTCATTAGGACTCTA-3'
Protein context (NP_004230.2, residues 1790-1810): GHFHTPKNQR[His1800=]EVLRLMGSIL